The following is an entry in ClinVar:

ClinVar aggregate classification (germline): Uncertain significance (1 of 4 stars; one submission).

Conditions:
Catecholaminergic polymorphic ventricular tachycardia 1. Also called: RYR2-Related Catecholaminergic Polymorphic Ventricular Tachycardia; VENTRICULAR TACHYCARDIA, STRESS-INDUCED POLYMORPHIC 1; VENTRICULAR TACHYCARDIA, CATECHOLAMINERGIC POLYMORPHIC, 1, WITH OR WITHOUT ATRIAL DYSFUNCTION AND/OR DILATED CARDIOMYOPATHY. Identifiers: Orphanet 3286, MedGen C1631597, MONDO:0011484, OMIM 604772.

Submission:

Labcorp Genetics (formerly Invitae), Labcorp
Classification: Uncertain significance for Catecholaminergic polymorphic ventricular tachycardia 1. Last evaluated: 2022-09-14. Review status: criteria provided, single submitter. Criteria: Invitae Variant Classification Sherloc (09022015). Collection method: clinical testing. Allele origin: germline.
Comment: ClinVar contains an entry for this variant (Variation ID: 1469498). This sequence change replaces valine, which is neutral and non-polar, with leucine, which is neutral and non-polar, at codon 2111 of the RYR2 protein (p.Val2111Leu). This variant is not present in population databases (gnomAD no frequency). This variant has not been reported in the literature in individuals affected with RYR2-related conditions. Advanced modeling of protein sequence and biophysical properties (such as structural, functional, and spatial information, amino acid conservation, physicochemical variation, residue mobility, and thermodynamic stability) performed at Invitae indicates that this missense variant is not expected to disrupt RYR2 protein function. In summary, the available evidence is currently insufficient to determine the role of this variant in disease. Therefore, it has been classified as a Variant of Uncertain Significance.

NM_001035.3(RYR2):c.6331G>T (p.Val2111Leu)

Gene: RYR2 (ryanodine receptor 2; plus strand). Cytogenetic location: 1q43.
Variant type: single nucleotide variant.
Coding change: c.6331G>T on transcript NM_001035.3 (MANE Select); coding-DNA position 6331, G replaced by T.
Protein change: p.Val2111Leu; replaces valine 2111 with leucine.
Molecular consequence: missense variant.
Genome position (GRCh38, 1-based): chr1:237,627,971, G>T. VCF-style: chr1-237627971-G-T. GRCh37 (hg19) VCF-style: chr1-237791271-G-T.
Other names: short protein forms V2111L.
Identifiers: ClinVar variation 1469498 (VCV001469498.7), dbSNP rs2148667347, ClinGen allele CA345411310.